The following is an entry in ClinVar:

NM_000275.3(OCA2):c.600A>T (p.Gln200His)

Gene: OCA2 (OCA2 melanosomal transmembrane protein; minus strand). Cytogenetic location: 15q13.1.
Variant type: single nucleotide variant.
Coding change: c.600A>T on transcript NM_000275.3 (MANE Select); coding-DNA position 600, A replaced by T.
Protein change: p.Gln200His; replaces glutamine 200 with histidine.
Molecular consequence: missense variant.
Genome position (GRCh38, 1-based): chr15:28,022,547, T>A on the plus strand (A>T on the coding strand, the complement: OCA2 is on the minus strand). VCF-style: chr15-28022547-T-A. GRCh37 (hg19) VCF-style: chr15-28267693-T-A.
Other names: c.600A>T (NM_000275.2); c.600A>T, p.Gln200His (NM_001300984.2); short protein forms Q200H.
Identifiers: ClinVar variation 1042603 (VCV001042603.7), dbSNP rs139562520, ClinGen allele CA7439410.

ClinVar aggregate classification (germline): Uncertain significance. Review status: criteria provided, multiple submitters, no conflicts (2 of 4 stars). 3 submissions from 3 submitters: Uncertain significance (3). Last evaluated 2025-03-25.

Allele frequency attached by ClinVar (database versions not stated): gnomAD exomes 0.00006; gnomAD 0.00010; ExAC 0.00006; ESP Exome Variant Server 0.00015; TOPMed 0.00010.
gnomAD v4.1: 352 of 1,613,948 alleles (0.022%); highest among the groups gnomAD compares: Non-Finnish European, 0.027%; no homozygotes.

Submissions (3):

GeneDx
Classification: Uncertain significance. Last evaluated: 2025-03-25. Review status: criteria provided, single submitter. Criteria: GeneDx Variant Classification Process June 2021. Collection method: clinical testing. Allele origin: germline. Affected: yes.
Comment: In silico analysis indicates that this missense variant does not alter protein structure/function; Has not been previously published in a patient with an OCA2-related disorder to our knowledge; This variant is associated with the following publications: (PMID: 23824587)

Labcorp Genetics (formerly Invitae), Labcorp
Classification: Uncertain significance. Last evaluated: 2024-10-22. Review status: criteria provided, single submitter. Criteria: Invitae Variant Classification Sherloc (09022015). Collection method: clinical testing. Allele origin: germline.
Comment: This sequence change replaces glutamine, which is neutral and polar, with histidine, which is basic and polar, at codon 200 of the OCA2 protein (p.Gln200His). This variant is present in population databases (rs139562520, gnomAD 0.02%). This variant has not been reported in the literature in individuals affected with OCA2-related conditions. ClinVar contains an entry for this variant (Variation ID: 1042603). Invitae Evidence Modeling of protein sequence and biophysical properties (such as structural, functional, and spatial information, amino acid conservation, physicochemical variation, residue mobility, and thermodynamic stability) indicates that this missense variant is not expected to disrupt OCA2 protein function with a negative predictive value of 80%. In summary, the available evidence is currently insufficient to determine the role of this variant in disease. Therefore, it has been classified as a Variant of Uncertain Significance.

Blueprint Genetics
Classification: Uncertain significance. Last evaluated: 2021-12-21. Review status: criteria provided, single submitter. Criteria: ACMG Guidelines, 2015. Collection method: clinical testing. Allele origin: germline.